The following is an entry in ClinVar:

ClinVar aggregate classification (germline): Conflicting classifications of pathogenicity. Review status: criteria provided, conflicting classifications (1 of 4 stars). 3 submissions from 3 submitters: Uncertain significance (1); Benign (1); Likely benign (1). Last evaluated 2026-06-01.

Conditions:
Neurodevelopmental disorder with hypotonia, stereotypic hand movements, and impaired language. Also called: Intellectual disability, autosomal dominant 20. Identifiers: Orphanet 228384, Orphanet 664410, MedGen C3150700, MONDO:0013266, OMIM 613443.

Allele frequency attached by ClinVar (database versions not stated): TOPMed below 0.00001; gnomAD exomes 0.00001.
gnomAD v4.1: 7 of 1,532,700 alleles (0.00046%); highest among the groups gnomAD compares: African/African-American, 0.0014%; no homozygotes.

Submissions (3):

CeGaT Center for Human Genetics Tuebingen
Classification: Uncertain significance. Last evaluated: 2026-06-01. Review status: criteria provided, single submitter. Criteria: CeGaT Center For Human Genetics Tuebingen Variant Classification Criteria Version 2. Collection method: clinical testing. Allele origin: germline. Affected: yes. Observed: 1 variant allele.
Comment: MEF2C: PM2, PP2

Labcorp Genetics (formerly Invitae), Labcorp
Classification: Benign for Neurodevelopmental disorder with hypotonia, stereotypic hand movements, and impaired language. Last evaluated: 2024-04-09. Review status: criteria provided, single submitter. Criteria: Invitae Variant Classification Sherloc (09022015). Collection method: clinical testing. Allele origin: germline.

Genetic Services Laboratory, University of Chicago
Classification: Likely benign. Last evaluated: 2015-07-20. Review status: criteria provided, single submitter. Criteria: ACMG Guidelines, 2015. Collection method: clinical testing. Allele origin: germline.

NM_002397.5(MEF2C):c.1021G>A (p.Ala341Thr)

Gene: MEF2C (myocyte enhancer factor 2C; minus strand). Cytogenetic location: 5q14.3.
Variant type: single nucleotide variant.
Coding change: c.1021G>A on transcript NM_002397.5 (MANE Select); coding-DNA position 1021, G replaced by A.
Protein change: p.Ala341Thr; replaces alanine 341 with threonine.
Molecular consequence: missense variant.
Genome position (GRCh38, 1-based): chr5:88,728,572, C>T on the plus strand (G>A on the coding strand, the complement: MEF2C is on the minus strand). VCF-style: chr5-88728572-C-T. GRCh37 (hg19) VCF-style: chr5-88024389-C-T.
Other names: c.1021G>A, p.Ala341Thr (NM_001364346.2, NM_001364347.2, NM_001193350.2 and 9 more transcripts); c.997G>A, p.Ala333Thr (NM_001364348.2, NM_001364349.2, NM_001364350.2 and 6 more transcripts); c.991G>A, p.Ala331Thr (NM_001364352.2, NM_001131005.2, NM_001364343.2); c.643G>A, p.Ala215Thr (NM_001364353.2, NM_001364356.2); c.877G>A, p.Ala293Thr (NM_001364354.2, NM_001364355.2, NM_001193349.3 and 2 more transcripts); c.1051G>A, p.Ala351Thr (NM_001193347.1, NM_001364338.2); c.853G>A, p.Ala285Thr (NM_001193348.1); c.571G>A, p.Ala191Thr (NM_001364357.2); short protein forms A331T, A341T, A215T, A351T, A293T, A333T, A191T, A285T.
Identifiers: ClinVar variation 211492 (VCV000211492.38), dbSNP rs797045703, ClinGen allele CA207404.
Genomic context (GRCh38, chr5:88,728,572, plus strand): 5'-ATGGTGGCATGTTATGTAGGTGTTGCTGTTGCCAGCCAGTTACTGAACCAAGGTGAAGAG[C>T]GCTGGCGGTGTTAAACCCAGACAGAGATGACAGGTCTGCACTACTCAGAGAGTACTCTAG-3'
Protein context (NP_002388.2, residues 331-351): SSLSGFNTAS[Ala341Thr]LHLGSVTGWQ